The following is an entry in ClinVar:

ClinVar aggregate classification (germline): Uncertain significance (1 of 4 stars; one submission).

gnomAD v4.1: 2 of 1,610,218 alleles (0.00012%); highest among the groups gnomAD compares: Non-Finnish European, 0.00017%; no homozygotes.

Submission:

Labcorp Genetics (formerly Invitae), Labcorp
Classification: Uncertain significance. Last evaluated: 2025-11-22. Review status: criteria provided, single submitter. Criteria: Invitae Variant Classification Sherloc (09022015). Collection method: clinical testing. Allele origin: germline.
Comment: This sequence change replaces isoleucine, which is neutral and non-polar, with lysine, which is basic and polar, at codon 3188 of the ADGRV1 protein (p.Ile3188Lys). This variant is not present in population databases (gnomAD no frequency). This variant has not been reported in the literature in individuals affected with ADGRV1-related conditions. Invitae Evidence Modeling of protein sequence and biophysical properties (such as structural, functional, and spatial information, amino acid conservation, physicochemical variation, residue mobility, and thermodynamic stability) indicates that this missense variant is not expected to disrupt ADGRV1 protein function with a negative predictive value of 80%. In summary, the available evidence is currently insufficient to determine the role of this variant in disease. Therefore, it has been classified as a Variant of Uncertain Significance.

NM_032119.4(ADGRV1):c.9563T>A (p.Ile3188Lys)

Gene: ADGRV1 (adhesion G protein-coupled receptor V1; plus strand). Cytogenetic location: 5q14.3.
Variant type: single nucleotide variant.
Coding change: c.9563T>A on transcript NM_032119.4 (MANE Select); coding-DNA position 9563, T replaced by A.
Protein change: p.Ile3188Lys; replaces isoleucine 3188 with lysine.
Molecular consequence: missense variant. On other transcripts: non-coding transcript variant (1).
Genome position (GRCh38, 1-based): chr5:90,720,163, T>A. VCF-style: chr5-90720163-T-A. GRCh37 (hg19) VCF-style: chr5-90015980-T-A.
Other names: short protein forms I3188K.
Identifiers: ClinVar variation 4711948 (VCV004711948.1).